The following is an entry in ClinVar:

ClinVar aggregate classification (germline): Uncertain significance. Review status: criteria provided, multiple submitters, no conflicts (2 of 4 stars). 2 submissions from 2 submitters: Uncertain significance (2). Last evaluated 2022-12-29.

Conditions:
Dyskeratosis congenita, autosomal dominant 2. Identifiers: MedGen C3151443, MONDO:0013521, OMIM 613989.
Idiopathic Pulmonary Fibrosis. Also called: Idiopathic fibrosing alveolitis, chronic form; idiopathic fibrosing alveolitis. Identifiers: Orphanet 2032, MedGen C1800706, MeSH D054990, MONDO:0800504.

Submissions (2):

Blueprint Genetics
Classification: Uncertain significance. Last evaluated: 2022-12-29. Review status: criteria provided, single submitter. Criteria: ACMG Guidelines, 2015. Collection method: clinical testing. Allele origin: germline.

Labcorp Genetics (formerly Invitae), Labcorp
Classification: Uncertain significance for Dyskeratosis congenita, autosomal dominant 2; Idiopathic Pulmonary Fibrosis. Last evaluated: 2021-08-31. Review status: criteria provided, single submitter. Criteria: Invitae Variant Classification Sherloc (09022015). Collection method: clinical testing. Allele origin: germline.
Comment: This sequence change replaces cysteine with phenylalanine at codon 982 of the TERT protein (p.Cys982Phe). The cysteine residue is highly conserved and there is a large physicochemical difference between cysteine and phenylalanine. This variant is not present in population databases (ExAC no frequency). This variant has not been reported in the literature in individuals affected with TERT-related conditions. Algorithms developed to predict the effect of missense changes on protein structure and function are either unavailable or do not agree on the potential impact of this missense change (SIFT: "Deleterious"; PolyPhen-2: "Probably Damaging"; Align-GVGD: "Class C0"). In summary, the available evidence is currently insufficient to determine the role of this variant in disease. Therefore, it has been classified as a Variant of Uncertain Significance.

NM_198253.3(TERT):c.2945G>T (p.Cys982Phe)

Gene: TERT (telomerase reverse transcriptase; minus strand). Cytogenetic location: 5p15.33.
Variant type: single nucleotide variant.
Coding change: c.2945G>T on transcript NM_198253.3 (MANE Select); coding-DNA position 2945, G replaced by T.
Protein change: p.Cys982Phe; replaces cysteine 982 with phenylalanine.
Molecular consequence: missense variant. On other transcripts: non-coding transcript variant (2).
Genome position (GRCh38, 1-based): chr5:1,260,499, C>A on the plus strand (G>T on the coding strand, the complement: TERT is on the minus strand). VCF-style: chr5-1260499-C-A. GRCh37 (hg19) VCF-style: chr5-1260614-C-A.
Other names: c.2756G>T, p.Cys919Phe (NM_001193376.3); short protein forms C982F, C919F.
Identifiers: ClinVar variation 539207 (VCV000539207.7), dbSNP rs1554038806, ClinGen allele CA359069750.